The following is an entry in ClinVar:

NM_004656.4(BAP1):c.814C>T (p.Gln272Ter)

Gene: BAP1 (BRCA1 associated deubiquitinase 1; minus strand). Cytogenetic location: 3p21.1.
Variant type: single nucleotide variant.
Coding change: c.814C>T on transcript NM_004656.4 (MANE Select); coding-DNA position 814, C replaced by T.
Protein change: p.Gln272Ter; replaces glutamine 272 with a stop codon.
Molecular consequence: nonsense.
Genome position (GRCh38, 1-based): chr3:52,405,882, G>A on the plus strand (C>T on the coding strand, the complement: BAP1 is on the minus strand). VCF-style: chr3-52405882-G-A. GRCh37 (hg19) VCF-style: chr3-52439898-G-A.
Other names: c.760C>T, p.Gln254Ter (NM_001410772.1); short protein forms Q254*, Q272*.
Identifiers: ClinVar variation 3987059 (VCV003987059.1).
Genomic context (GRCh38, chr3:52,405,882, plus strand): 5'-ACTTGTTGCTGGCTGACTTGGACTCCTCAGGCAGCTGTGACTCTTGAGACTTGTGGGTCT[G>A]AATCAGCTCTGGCTGTGTTACTCTTATCAGCTAACAACAGAATCCAGGGCTCAGAGGAGA-3'

ClinVar aggregate classification (germline): Pathogenic (1 of 4 stars; one submission).

Conditions:
Hereditary cancer-predisposing syndrome. Also called: Tumor predisposition; Hereditary neoplastic syndrome; Neoplastic Syndromes, Hereditary; Hereditary Cancer Syndrome. Identifiers: Orphanet 140162, MedGen C0027672, MeSH D009386, MONDO:0015356.

Submission:

Ambry Genetics
Classification: Pathogenic for Hereditary cancer-predisposing syndrome. Last evaluated: 2025-05-28. Review status: criteria provided, single submitter. Criteria: Ambry Variant Classification Scheme 2023. Collection method: clinical testing. Allele origin: germline.
Comment: The p.Q272* pathogenic mutation (also known as c.814C>T), located in coding exon 10 of the BAP1 gene, results from a C to T substitution at nucleotide position 814. This changes the amino acid from a glutamine to a stop codon within coding exon 10. This variant was reported in individual(s) with features consistent with BAP1-related tumor predisposition syndrome (Ambry internal data). This alteration is expected to result in loss of function by premature protein truncation or nonsense-mediated mRNA decay. As such, this alteration is interpreted as a disease-causing mutation.